The following is an entry in ClinVar:

ClinVar aggregate classification (germline): Pathogenic (3 of 4 stars; one submission).

Conditions:
Breast-ovarian cancer, familial, susceptibility to, 1 (BROVCA1). Also called: BRCA1 Hereditary Breast and Ovarian Cancer; OVARIAN CANCER, SUSCEPTIBILITY TO. Identifiers: Orphanet 145, MedGen C2676676, MONDO:0011450, OMIM 604370. Disease mechanism: loss of function.

Submission:

Evidence-based Network for the Interpretation of Germline Mutant Alleles (ENIGMA)
Classification: Pathogenic for Breast-ovarian cancer, familial, susceptibility to, 1. Last evaluated: 2016-09-08. Review status: reviewed by expert panel. Criteria: ENIGMA BRCA1/2 Classification Criteria (2015). Collection method: curation. Allele origin: germline.
Comment: Variant allele predicted to encode a truncated non-functional protein.

NM_007294.4(BRCA1):c.3547_3550delinsGAT (p.Lys1183fs)

Genes: BRCA1 (BRCA1 DNA repair associated; minus strand), LOC126862571 (BRD4-independent group 4 enhancer GRCh37_chr17:41243136-41244335; plus strand). Cytogenetic location: 17q21.31.
Variant type: Indel.
Coding change: c.3547_3550delinsGAT on transcript NM_007294.4 (MANE Select); coding-DNA positions 3547 to 3550, AAAG replaced by GAT.
Protein change: p.Lys1183fs; shifts the reading frame from lysine 1183.
Molecular consequence: frameshift variant. On other transcripts: intron variant (135).
Genome position (GRCh38, 1-based): chr17:43,091,981-43,091,984, CTTT replaced by ATC on the plus strand (AAAG replaced by GAT on the coding strand, the reverse complement: BRCA1 is on the minus strand). VCF-style: chr17-43091981-CTTT-ATC. GRCh37 (hg19) VCF-style: chr17-41243998-CTTT-ATC.
Other names: c.3334_3337delinsGAT, p.Lys1112fs (NM_001407571.1, NM_001407853.1, NM_001407894.1 and 9 more transcripts); c.3547_3550delinsGAT, p.Lys1183fs (NM_001407581.1, NM_001407582.1, NM_001407583.1 and 30 more transcripts); c.3544_3547delinsGAT, p.Lys1182fs (NM_001407587.1, NM_001407590.1, NM_001407591.1 and 22 more transcripts); c.3424_3427delinsGAT, p.Lys1142fs (NM_001407648.1, NM_001407667.1, NM_001407668.1 and 19 more transcripts); c.3421_3424delinsGAT, p.Lys1141fs (NM_001407649.1, NM_001407670.1, NM_001407671.1 and 11 more transcripts); c.3469_3472delinsGAT, p.Lys1157fs (NM_001407653.1, NM_001407654.1, NM_001407655.1 and 4 more transcripts); c.3406_3409delinsGAT, p.Lys1136fs (NM_001407727.1, NM_001407728.1, NM_001407729.1 and 29 more transcripts); c.3403_3406delinsGAT, p.Lys1135fs (NM_001407744.1, NM_001407745.1, NM_001407746.1 and 20 more transcripts); and 41 more; short protein forms K1183fs, K1136fs, K1055fs, K1094fs, K1015fs, K1056fs, K1112fs, K1135fs.
Identifiers: ClinVar variation 254433 (VCV000254433.3), dbSNP rs886038017, ClinGen allele CA10586626.
Genomic context (GRCh38, chr17:43,091,981, plus strand): 5'-TTCGGTAACCCTGAGCCAAATGTGTATGGGTGAAAGGGCTAGGACTCCTGCTAAGCTCTC[CTTT>ATC]CTGGACGCTTTTGCTAAAAACAGCAGAACTTTCCTTAATGTCATTTTCAGCAAAACTAGT-3'